The following is an entry in ClinVar:

ClinVar aggregate classification (germline): Uncertain significance (1 of 4 stars; one submission).

Allele frequency attached by ClinVar (database versions not stated): gnomAD exomes below 0.00001.

Submission:

Labcorp Genetics (formerly Invitae), Labcorp
Classification: Uncertain significance. Last evaluated: 2021-11-28. Review status: criteria provided, single submitter. Criteria: Invitae Variant Classification Sherloc (09022015). Collection method: clinical testing. Allele origin: germline.
Comment: In summary, the available evidence is currently insufficient to determine the role of this variant in disease. Therefore, it has been classified as a Variant of Uncertain Significance. This variant disrupts the p.Ala346 amino acid residue in RHO. Other variant(s) that disrupt this residue have been determined to be pathogenic (PMID: 8829641, 25485142, 28559085). This suggests that this residue is clinically significant, and that variants that disrupt this residue are likely to be disease-causing. Algorithms developed to predict the effect of sequence changes on RNA splicing suggest that this variant may create or strengthen a splice site. Advanced modeling of protein sequence and biophysical properties (such as structural, functional, and spatial information, amino acid conservation, physicochemical variation, residue mobility, and thermodynamic stability) performed at Invitae indicates that this missense variant is not expected to disrupt RHO protein function. This variant has not been reported in the literature in individuals affected with RHO-related conditions. This variant is not present in population databases (gnomAD no frequency). This sequence change replaces alanine, which is neutral and non-polar, with threonine, which is neutral and polar, at codon 346 of the RHO protein (p.Ala346Thr).

Literature cited by the submitters: PubMed 8829641; PubMed 25485142; PubMed 28559085.

NM_000539.3(RHO):c.1036G>A (p.Ala346Thr)

Gene: RHO (rhodopsin; plus strand). Cytogenetic location: 3q22.1.
Variant type: single nucleotide variant.
Coding change: c.1036G>A on transcript NM_000539.3 (MANE Select); coding-DNA position 1036, G replaced by A.
Protein change: p.Ala346Thr; replaces alanine 346 with threonine.
Molecular consequence: missense variant.
Genome position (GRCh38, 1-based): chr3:129,533,707, G>A. VCF-style: chr3-129533707-G-A. GRCh37 (hg19) VCF-style: chr3-129252550-G-A.
Other names: short protein forms A346T.
Identifiers: ClinVar variation 1391361 (VCV001391361.6), dbSNP rs2084801591, ClinGen allele CA354471272.